The following is an entry in ClinVar:

ClinVar aggregate classification (germline): Uncertain significance. Review status: criteria provided, multiple submitters, no conflicts (2 of 4 stars). 2 submissions from 2 submitters: Uncertain significance (2). Last evaluated 2026-03-29.

Conditions:
Cardiovascular phenotype. Identifiers: MedGen CN230736.

Submissions (2):

Ambry Genetics
Classification: Uncertain significance for Cardiovascular phenotype. Last evaluated: 2026-03-29. Review status: criteria provided, single submitter. Criteria: Ambry Variant Classification Scheme 2023. Collection method: clinical testing. Allele origin: germline.
Comment: The p.I268V variant (also known as c.802A>G), located in coding exon 8 of the CASQ2 gene, results from an A to G substitution at nucleotide position 802. The isoleucine at codon 268 is replaced by valine, an amino acid with highly similar properties. This amino acid position is conserved. In addition, this alteration is predicted to be tolerated by in silico analysis. Based on the available evidence, the clinical significance of this variant remains unclear.

GeneDx
Classification: Uncertain significance. Last evaluated: 2021-04-19. Review status: criteria provided, single submitter. Criteria: GeneDx Variant Classification Process June 2021. Collection method: clinical testing. Allele origin: germline. Affected: yes.
Comment: Not observed in large population cohorts (Lek et al., 2016); In silico analysis supports that this missense variant does not alter protein structure/function; Has not been previously published as pathogenic or benign to our knowledge

NM_001232.4(CASQ2):c.802A>G (p.Ile268Val)

Gene: CASQ2 (calsequestrin 2; minus strand). Cytogenetic location: 1p13.1.
Variant type: single nucleotide variant.
Coding change: c.802A>G on transcript NM_001232.4 (MANE Select); coding-DNA position 802, A replaced by G.
Protein change: p.Ile268Val; replaces isoleucine 268 with valine.
Molecular consequence: missense variant.
Genome position (GRCh38, 1-based): chr1:115,717,876, T>C on the plus strand (A>G on the coding strand, the complement: CASQ2 is on the minus strand). VCF-style: chr1-115717876-T-C. GRCh37 (hg19) VCF-style: chr1-116260497-T-C.
Other names: short protein forms I268V.
Identifiers: ClinVar variation 1314632 (VCV001314632.3), dbSNP rs2101068841, ClinGen allele CA341767895.